The following is an entry in ClinVar:

NM_013266.4:c.1282-780_1531+54046del

Gene: CTNNA3 (catenin alpha 3; minus strand).
Variant type: Deletion.
Other names: c.1282-780_1531+54046del (NM_013266.4).
Identifiers: ClinVar variation 2665008 (VCV002665008.1).

ClinVar aggregate classification (germline): Uncertain significance (1 of 4 stars; one submission).

Conditions:
Arrhythmogenic right ventricular dysplasia 13. Also called: ARRHYTHMOGENIC RIGHT VENTRICULAR CARDIOMYOPATHY 13; Arrhythmogenic right ventricular dysplasia, familial, 13. Identifiers: MedGen C3810138, MONDO:0000908, OMIM 615616.

Submission:

New York Genome Center
Classification: Uncertain significance for Arrhythmogenic right ventricular dysplasia 13. Last evaluated: 2023-05-17. Review status: criteria provided, single submitter. Criteria: NYGC Assertion Criteria 2020. Collection method: clinical testing. Allele origin: germline. Observed: 1 heterozygote.
Comment: This is an approximately 156kb heterozygous copy number loss located on the long arm of chromosome 10 (10q21.3). The deleted region (chr10:66466571-66622564) encompasses exons 10 and 11 of the CTNNA3 gene as well as surrounding and intervening intronic sequences. This variant is expected to alter the wild-type translational reading frame and is expected to result in loss-of-function via nonsense-mediated decay of the encoded protein (NM_013266.4:c.1282-780_1531+54046del). Similar intergenic deletions in the CTNNA3 gene have been reported individuals with dilated cardiomyopathy however with uncertain clinical significance, and one of the reported individuals with the CTNNA3 deletion was also found to harbor a canonical splice variant in the FLNCgene [PMID: 35288587]. While this exact variant is absent from population databases, several overlapping deletions are observed in in gnomAD SVs(v2.1) with low frequency. While the exact deletion identified here is absent from ClinVar, one deletion fully contained within the one identified here is reported as a Variant of Uncertain Significance (VarID:474805). Based on available evidence this ~156kb copy number loss identified in the CTNNA3 gene is classified as a Variant of Uncertain Significance.